The following is an entry in ClinVar:

NM_002661.5(PLCG2):c.937G>A (p.Asp313Asn)

Gene: PLCG2 (phospholipase C gamma 2; plus strand). Cytogenetic location: 16q23.3.
Variant type: single nucleotide variant.
Coding change: c.937G>A on transcript NM_002661.5 (MANE Select); coding-DNA position 937, G replaced by A.
Protein change: p.Asp313Asn; replaces aspartic acid 313 with asparagine.
Molecular consequence: missense variant.
Genome position (GRCh38, 1-based): chr16:81,891,541, G>A. VCF-style: chr16-81891541-G-A. GRCh37 (hg19) VCF-style: chr16-81925146-G-A.
Other names: c.937G>A, p.Asp313Asn (NM_001425751.1, NM_001425749.1, NM_001425750.1); short protein forms D313N.
Identifiers: ClinVar variation 4138753 (VCV004138753.2).

ClinVar aggregate classification (germline): Uncertain significance. Review status: criteria provided, multiple submitters, no conflicts (2 of 4 stars). 2 submissions from 2 submitters: Uncertain significance (2). Last evaluated 2026-02-12.

Conditions:
Inborn genetic diseases. Identifiers: MedGen C0950123, MeSH D030342.

Submissions (2):

Women's Health and Genetics/Laboratory Corporation of America, LabCorp
Classification: Uncertain significance. Last evaluated: 2026-02-12. Review status: criteria provided, single submitter. Criteria: LabCorp Variant Classification Summary - May 2015. Collection method: clinical testing. Allele origin: germline.
Comment: Variant summary: PLCG2 c.937G>A (p.Asp313Asn) results in a conservative amino acid change in the encoded protein sequence. Algorithms developed to predict the effect of missense changes on protein structure and function are either unavailable or do not agree on the potential impact of this missense change. The variant was absent in 249552 control chromosomes. The available data on variant occurrences in the general population are insufficient to allow any conclusion about variant significance. To our knowledge, no occurrence of c.937G>A in individuals affected with PLCG2-related conditions and no experimental evidence demonstrating its impact on protein function have been reported. ClinVar contains an entry for this variant (Variation ID: 4138753). Based on the evidence outlined above, the variant was classified as uncertain significance.

Ambry Genetics
Classification: Uncertain significance for Inborn genetic diseases. Last evaluated: 2025-08-22. Review status: criteria provided, single submitter. Criteria: Ambry Variant Classification Scheme 2023. Collection method: clinical testing. Allele origin: germline.